The following is an entry in ClinVar:

NM_020800.3(IFT80):c.640-3T>G

Genes: TRIM59-IFT80 (TRIM59-IFT80 readthrough (NMD candidate); minus strand), IFT80 (intraflagellar transport 80; minus strand). Cytogenetic location: 3q25.33.
Variant type: single nucleotide variant.
Coding change: c.640-3T>G on transcript NM_020800.3 (MANE Select); 3 bases into the intron before coding-DNA position 640, T replaced by G.
Molecular consequence: intron variant.
Genome position (GRCh38, 1-based): chr3:160,356,153, A>C on the plus strand (T>G on the coding strand, the complement: IFT80 is on the minus strand). VCF-style: chr3-160356153-A-C. GRCh37 (hg19) VCF-style: chr3-160073941-A-C.
Other names: c.229-3T>G (NM_001190241.2, NM_001190242.2).
Identifiers: ClinVar variation 1370575 (VCV001370575.6), dbSNP rs1270725764, ClinGen allele CA547381156.

ClinVar aggregate classification (germline): Uncertain significance (1 of 4 stars; one submission).

Conditions:
Jeune thoracic dystrophy. Also called: Jeune syndrome; Infantile thoracic dystrophy; Thoracic pelvic phalangeal dystrophy; Jeune's syndrome; Chondroectodermal dysplasia-like syndrome; Short-rib thoracic dysplasia. Identifiers: Orphanet 474, MedGen C0265275, MONDO:0018770.

gnomAD v4.1: 1 of 1,611,146 alleles (0.000062%); highest among the groups gnomAD compares: Admixed American, 0.0017%; no homozygotes.

Submission:

Labcorp Genetics (formerly Invitae), Labcorp
Classification: Uncertain significance for Jeune thoracic dystrophy. Last evaluated: 2021-07-28. Review status: criteria provided, single submitter. Criteria: Invitae Variant Classification Sherloc (09022015). Collection method: clinical testing. Allele origin: germline.
Comment: This variant has not been reported in the literature in individuals affected with IFT80-related conditions. This variant is not present in population databases (ExAC no frequency). This sequence change falls in intron 7 of the IFT80 gene. It does not directly change the encoded amino acid sequence of the IFT80 protein. It affects a nucleotide within the consensus splice site of the intron. In summary, the available evidence is currently insufficient to determine the role of this variant in disease. Therefore, it has been classified as a Variant of Uncertain Significance. Nucleotide substitutions within the consensus splice site are a relatively common cause of aberrant splicing (PMID: 17576681, 9536098). Algorithms developed to predict the effect of sequence changes on RNA splicing suggest that this variant may disrupt the consensus splice site.

Literature cited by the submitters: PubMed 17576681; PubMed 9536098.